The following is an entry in ClinVar:

NM_000548.5(TSC2):c.2097+6_2097+7del

Gene: TSC2 (TSC complex subunit 2; plus strand). Cytogenetic location: 16p13.3.
Variant type: Deletion.
Coding change: c.2097+6_2097+7del on transcript NM_000548.5 (MANE Select); bases 6 to 7 of the intron after coding-DNA position 2097, 2 bases deleted (TG; older notation c.2097+6_2097+7delTG).
Molecular consequence: intron variant.
Genome position (GRCh38, 1-based): chr16:2,071,940-2,071,941, TG deleted; deleting any 2 consecutive bases within chr16:2,071,939-2,071,941 gives the same sequence; the c. name uses the placement nearest the transcript's 3' end. VCF-style (leftmost placement, unchanged base first): chr16-2071938-AGT-A. GRCh37 (hg19) VCF-style: chr16-2121939-AGT-A.
Other names: c.753+6_753+7del (NM_001406693.1, NM_001406689.1, NM_001406690.1 and 6 more transcripts); c.2187+6_2187+7del (NM_001406667.1, NM_001406668.1); c.1497+6_1497+7del (NM_001406680.1, NM_001406683.1, NM_001406687.1 and 6 more transcripts); c.495+6_495+7del (NM_001406698.1); c.2097+6_2097+7del (NM_001114382.3, NM_001406663.1, NM_001406664.1 and 6 more transcripts); c.2085+6_2085+7del (NM_001406671.1, NM_001406673.1); c.1635+6_1635+7del (NM_001406681.1); c.1986+6_1986+7del (NM_001406670.1, NM_001318827.2, NM_001406678.1); and 3 more.
Identifiers: ClinVar variation 4759132 (VCV004759132.1).

ClinVar aggregate classification (germline): Uncertain significance (1 of 4 stars; one submission).

Conditions:
Tuberous sclerosis syndrome (TSC). Also called: Tuberous Sclerosis Complex; Tuberous sclerosis. Identifiers: Orphanet 805, MedGen C0041341, MONDO:0001734.

Submission:

Color Diagnostics, LLC DBA Color Health
Classification: Uncertain significance for Tuberous sclerosis syndrome. Last evaluated: 2025-08-13. Review status: criteria provided, single submitter. Criteria: ACMG Guidelines, 2015. Collection method: clinical testing. Allele origin: germline.
Comment: This variant causes a deletion of 2 nucleotides at +6 and +7 positions in intron 19 of the TSC2 gene. To our knowledge, functional studies have not been reported for this variant. This variant has not been reported in individuals affected with TSC2-related disorders in the literature. This variant has not been identified in the general population by the Genome Aggregation Database (gnomAD). The available evidence is insufficient to determine the role of this variant in disease conclusively. Therefore, this variant is classified as a Variant of Uncertain Significance.